The following is an entry in ClinVar:

ClinVar aggregate classification (germline): Likely pathogenic. Review status: criteria provided, single submitter (1 of 4 stars). 2 submissions from 1 submitter: Likely pathogenic (2). Last evaluated 2024-10-01.

Conditions:
Cone-rod dystrophy. Also called: Cone-rod degeneration; Cone/cone-rod dystrophy. Identifiers: Orphanet 1872, MedGen C4085590, MONDO:0015993, HP:0000548.
Leber congenital amaurosis (LCA). Also called: Leber's amaurosis. Identifiers: Orphanet 65, MedGen C0339527, MeSH D057130, MONDO:0018998.

gnomAD v4.1: 1 of 1,614,006 alleles (0.000062%); highest among the groups gnomAD compares: Middle Eastern, 0.017%; no homozygotes.

Submissions (2):

Lab De Baere, Eye and Developmental Genetics Lab, Ghent University
Classification: Likely pathogenic for Cone-rod dystrophy. Last evaluated: 2024-10-01. Review status: criteria provided, single submitter. Criteria: ACMG Guidelines, 2015. Collection method: research. Allele origin: inherited. Affected: yes. Observed: 1 variant allele.
Comment: ACMG/AMP guidelines: PM2, PP4_PP, PP3, PM3_1

Lab De Baere, Eye and Developmental Genetics Lab, Ghent University
Classification: Likely pathogenic for Leber congenital amaurosis. Last evaluated: 2024-10-01. Review status: criteria provided, single submitter. Criteria: ACMG Guidelines, 2015. Collection method: research. Allele origin: inherited. Affected: yes. Observed: 1 variant allele.
Comment: the same text as in the submission from Lab De Baere, Eye and Developmental Genetics Lab, Ghent University above.

NM_201253.3(CRB1):c.2782T>C (p.Cys928Arg)

Gene: CRB1 (crumbs cell polarity complex component 1; plus strand). Cytogenetic location: 1q31.3.
Variant type: single nucleotide variant.
Coding change: c.2782T>C on transcript NM_201253.3 (MANE Select); coding-DNA position 2782, T replaced by C.
Protein change: p.Cys928Arg; replaces cysteine 928 with arginine.
Molecular consequence: missense variant. On other transcripts: non-coding transcript variant (2), intron variant (1).
Genome position (GRCh38, 1-based): chr1:197,429,554, T>C. VCF-style: chr1-197429554-T-C. GRCh37 (hg19) VCF-style: chr1-197398684-T-C.
Other names: c.2446T>C, p.Cys816Arg (NM_001193640.2); c.2710T>C, p.Cys904Arg (NM_001257965.2); c.2129-6046T>C (NM_001257966.2); short protein forms C816R, C904R, C928R.
Identifiers: ClinVar variation 3544470 (VCV003544470.1).